The following is an entry in ClinVar:

ClinVar aggregate classification (germline): Uncertain significance. Review status: criteria provided, multiple submitters, no conflicts (2 of 4 stars). 3 submissions from 3 submitters: Uncertain significance (3). Last evaluated 2024-07-17.

Conditions:
Otosclerosis 12. Identifiers: MedGen C5935610, MONDO:0968980, OMIM 620792.
Rhabdoid tumor predisposition syndrome 2 (RTPS2). Identifiers: Orphanet 231108, Orphanet 69077, MedGen C2750074, MONDO:0013224, OMIM 613325.
Intellectual disability, autosomal dominant 16 (CSS4). Also called: COFFIN-SIRIS SYNDROME 4. Identifiers: Orphanet 1465, MedGen C3553249, MONDO:0013821, OMIM 614609.
Hereditary cancer-predisposing syndrome. Also called: Hereditary Cancer Syndrome; Tumor predisposition; Hereditary neoplastic syndrome; Neoplastic Syndromes, Hereditary. Identifiers: Orphanet 140162, MedGen C0027672, MeSH D009386, MONDO:0015356.

Allele frequency attached by ClinVar (database versions not stated): gnomAD 0.00001.
gnomAD v4.1: 1 of 1,611,672 alleles (0.000062%); highest among the groups gnomAD compares: Admixed American, 0.0017%; no homozygotes.

Submissions (3):

Labcorp Genetics (formerly Invitae), Labcorp
Classification: Uncertain significance for Rhabdoid tumor predisposition syndrome 2. Last evaluated: 2024-07-17. Review status: criteria provided, single submitter. Criteria: Invitae Variant Classification Sherloc (09022015). Collection method: clinical testing. Allele origin: germline.
Comment: This sequence change falls in intron 19 of the SMARCA4 gene. It does not directly change the encoded amino acid sequence of the SMARCA4 protein. It affects a nucleotide within the consensus splice site. This variant is not present in population databases (gnomAD no frequency). This variant has not been reported in the literature in individuals affected with SMARCA4-related conditions. ClinVar contains an entry for this variant (Variation ID: 1055913). Variants that disrupt the consensus splice site are a relatively common cause of aberrant splicing (PMID: 17576681, 9536098). Algorithms developed to predict the effect of sequence changes on RNA splicing suggest that this variant is not likely to affect RNA splicing. In summary, the available evidence is currently insufficient to determine the role of this variant in disease. Therefore, it has been classified as a Variant of Uncertain Significance.

Fulgent Genetics
Classification: Uncertain significance for Rhabdoid tumor predisposition syndrome 2; Intellectual disability, autosomal dominant 16; Otosclerosis 12. Last evaluated: 2024-05-23. Review status: criteria provided, single submitter. Criteria: ACMG Guidelines, 2015. Collection method: clinical testing. Allele origin: germline.

Ambry Genetics
Classification: Uncertain significance for Hereditary cancer-predisposing syndrome. Last evaluated: 2023-11-20. Review status: criteria provided, single submitter. Criteria: Ambry Variant Classification Scheme 2023. Collection method: clinical testing. Allele origin: germline.
Comment: The c.2859+3G>T intronic variant results from a G to T substitution 3 nucleotides after coding exon 18 in the SMARCA4 gene. This nucleotide position is not well conserved in available vertebrate species. In silico splice site analysis predicts that this alteration will not have any significant effect on splicing. Since supporting evidence is limited at this time, the clinical significance of this alteration remains unclear.

Literature cited by the submitters: PubMed 17576681 (cited by Labcorp Genetics (formerly Invitae), Labcorp); PubMed 9536098 (cited by Labcorp Genetics (formerly Invitae), Labcorp).

NM_003072.5(SMARCA4):c.2859+3G>T

Gene: SMARCA4 (SWI/SNF related BAF chromatin remodeling complex subunit ATPase 4; plus strand). Cytogenetic location: 19p13.2.
Variant type: single nucleotide variant.
Coding change: c.2859+3G>T on transcript NM_003072.5 (MANE Select); 3 bases into the intron after coding-DNA position 2859, G replaced by T.
Molecular consequence: intron variant.
Genome position (GRCh38, 1-based): chr19:11,021,970, G>T. VCF-style: chr19-11021970-G-T. GRCh37 (hg19) VCF-style: chr19-11132646-G-T.
Other names: c.2859+3G>T (NM_001128849.1, NM_001128849.2, NM_001128844.3 and 7 more transcripts).
Identifiers: ClinVar variation 1055913 (VCV001055913.7), dbSNP rs2089905213, ClinGen allele CA993513982.
Genomic context (GRCh38, chr19:11,021,970, plus strand): 5'-GAGCTGCAGCACCTTCGAGCAGTGGTTTAACGCACCCTTTGCCATGACCGGGGAAAAGGT[G>T]GGTTTGCCCAGCTGTGCCCATGCTGACGGTTCCAGGTGCGGCTGGCTTTGCTGGTTGGAA-3'